The following is an entry in ClinVar:

NM_000263.4(NAGLU):c.1789G>C (p.Val597Leu)

Gene: NAGLU (N-acetyl-alpha-glucosaminidase; plus strand). Cytogenetic location: 17q21.2.
Variant type: single nucleotide variant.
Coding change: c.1789G>C on transcript NM_000263.4 (MANE Select); coding-DNA position 1789, G replaced by C.
Protein change: p.Val597Leu; replaces valine 597 with leucine.
Molecular consequence: missense variant.
Genome position (GRCh38, 1-based): chr17:42,543,795, G>C. VCF-style: chr17-42543795-G-C. GRCh37 (hg19) VCF-style: chr17-40695813-G-C.
Other names: short protein forms V597L.
Identifiers: ClinVar variation 1351431 (VCV001351431.5), dbSNP rs759978970, ClinGen allele CA8577095.
Genomic context (GRCh38, chr17:42,543,795, plus strand): 5'-GAGGAGGCAAGAAGCGCCTACCTGAGCAAGGAGCTGGCCTCCCTGTTGAGGGCTGGAGGC[G>C]TCCTGGCCTATGAGCTGCTGCCGGCACTGGACGAGGTGCTGGCTAGTGACAGCCGCTTCT-3'
Protein context (NP_000254.2, residues 587-607): ELASLLRAGG[Val597Leu]LAYELLPALD

ClinVar aggregate classification (germline): Uncertain significance (1 of 4 stars; one submission).

Conditions:
Charcot-Marie-Tooth disease axonal type 2V. Also called: CHARCOT-MARIE-TOOTH NEUROPATHY, TYPE 2V; CHARCOT-MARIE-TOOTH DISEASE, AXONAL, AUTOSOMAL DOMINANT, TYPE 2V. Identifiers: Orphanet 447964, MedGen C5569050, MONDO:0014665, OMIM 616491.
Mucopolysaccharidosis, MPS-III-B (MPS3B). Also called: MPS IIIB (Sanfilippo Syndrome Type B); N-ACETYL-ALPHA-D-GLUCOSAMINIDASE DEFICIENCY; NAGLU DEFICIENCY; MUCOPOLYSACCHARIDOSIS, TYPE IIIB; Mucopolysaccharidosis type IIIB (Sanfilippo B); SANFILIPPO SYNDROME B. Identifiers: Orphanet 79270, MedGen C0086648, MONDO:0009656, OMIM 252920.

Submission:

Labcorp Genetics (formerly Invitae), Labcorp
Classification: Uncertain significance for Charcot-Marie-Tooth disease axonal type 2V; Mucopolysaccharidosis, MPS-III-B. Last evaluated: 2024-10-24. Review status: criteria provided, single submitter. Criteria: Invitae Variant Classification Sherloc (09022015). Collection method: clinical testing. Allele origin: germline.
Comment: This sequence change replaces valine, which is neutral and non-polar, with leucine, which is neutral and non-polar, at codon 597 of the NAGLU protein (p.Val597Leu). This variant is present in population databases (rs759978970, gnomAD 0.003%). This variant has not been reported in the literature in individuals affected with NAGLU-related conditions. ClinVar contains an entry for this variant (Variation ID: 1351431). An algorithm developed to predict the effect of missense changes on protein structure and function outputs the following: PolyPhen-2: "Benign". The leucine amino acid residue is found in multiple mammalian species, which suggests that this missense change does not adversely affect protein function. In summary, the available evidence is currently insufficient to determine the role of this variant in disease. Therefore, it has been classified as a Variant of Uncertain Significance.